The following is an entry in ClinVar:

ClinVar aggregate classification (germline): Uncertain significance (1 of 4 stars; one submission).

Submission:

Labcorp Genetics (formerly Invitae), Labcorp
Classification: Uncertain significance. Last evaluated: 2021-04-19. Review status: criteria provided, single submitter. Criteria: Invitae Variant Classification Sherloc (09022015). Collection method: clinical testing. Allele origin: germline.
Comment: In summary, the available evidence is currently insufficient to determine the role of this variant in disease. Therefore, it has been classified as a Variant of Uncertain Significance. Algorithms developed to predict the effect of missense changes on protein structure and function (SIFT, PolyPhen-2, Align-GVGD) all suggest that this variant is likely to be tolerated, but these predictions have not been confirmed by published functional studies and their clinical significance is uncertain. This variant has not been reported in the literature in individuals with DDX58-related conditions. This variant is not present in population databases (ExAC no frequency). This sequence change replaces lysine with threonine at codon 547 of the DDX58 protein (p.Lys547Thr). The lysine residue is moderately conserved and there is a moderate physicochemical difference between lysine and threonine.

NM_014314.4(RIGI):c.1640A>C (p.Lys547Thr)

Gene: RIGI (RNA sensor RIG-I; minus strand). Cytogenetic location: 9p21.1.
Variant type: single nucleotide variant.
Coding change: c.1640A>C on transcript NM_014314.4 (MANE Select); coding-DNA position 1640, A replaced by C.
Protein change: p.Lys547Thr; replaces lysine 547 with threonine.
Molecular consequence: missense variant.
Genome position (GRCh38, 1-based): chr9:32,480,353, T>G on the plus strand (A>C on the coding strand, the complement: RIGI is on the minus strand). VCF-style: chr9-32480353-T-G. GRCh37 (hg19) VCF-style: chr9-32480351-T-G.
Other names: c.1634A>C, p.Lys545Thr (NM_001385907.1); c.1640A>C, p.Lys547Thr (NM_001385909.1); c.1199A>C, p.Lys400Thr (NM_001385910.1); c.1031A>C, p.Lys344Thr (NM_001385912.1); c.1625A>C, p.Lys542Thr (NM_001385913.1); c.1196A>C, p.Lys399Thr (NM_001385914.1); short protein forms K400T, K344T, K399T, K547T, K542T, K545T.
Identifiers: ClinVar variation 1468852 (VCV001468852.8), dbSNP rs2118761294, ClinGen allele CA373152174.
Genomic context (GRCh38, chr9:32,480,353, plus strand): 5'-AAGTAATCCAGAGCATCTTTCATTCGTGCATGCTCACTGATAATGAGGGCATCATTATAT[T>G]TCTGTTGAAAGTAAAAACTGTCTCAATATGCTTCCAATGTCTAACACATTCACTGTATTT-3'
Protein context (NP_055129.2, residues 537-557): ALFLYTSHLR[Lys547Thr]YNDALIISEH